The following is an entry in ClinVar:

NM_000540.3(RYR1):c.10348-6C>G

Gene: RYR1 (ryanodine receptor 1; plus strand). Cytogenetic location: 19q13.2.
Variant type: single nucleotide variant.
Coding change: c.10348-6C>G on transcript NM_000540.3 (MANE Select); 6 bases into the intron before coding-DNA position 10348, C replaced by G.
Molecular consequence: intron variant.
Genome position (GRCh38, 1-based): chr19:38,523,211, C>G. VCF-style: chr19-38523211-C-G. GRCh37 (hg19) VCF-style: chr19-39013851-C-G.
Other names: r.[=,10348-6c>g; 10347_10348ins10347+1_103478-1]; c.10348-6C>G (NM_000540.2, NM_001042723.2).
Identifiers: ClinVar variation 132994 (VCV000132994.72), dbSNP rs193922837, ClinGen allele CA023836.

ClinVar aggregate classification (germline): Pathogenic. Review status: reviewed by expert panel (3 of 4 stars). 20 submissions from 20 submitters: Pathogenic (1). 19 of the submissions do not count toward it. Last evaluated 2025-05-19.

Conditions:
Central core myopathy (CMYO1A). Also called: CONGENITAL MYOPATHY 1A, AUTOSOMAL DOMINANT, WITH SUSCEPTIBILITY TO MALIGNANT HYPERTHERMIA; Central core disease; Myopathy, central fibrillar. Identifiers: Orphanet 597, MedGen C5830701, MONDO:0007294, OMIM 117000.
Malignant hyperthermia, susceptibility to, 1 (MHS1). Also called: Malignant hyperthermia suceptibility 1; Anesthesia related hyperthermia; Malignant hyperpyrexia; Fulminating hyperpyrexia; Pharmacogenic myopathy; RYR1-Related Malignant Hyperthermia Susceptibility. Identifiers: Orphanet 423, MedGen C2930980, MONDO:0007783, OMIM 145600.
King Denborough syndrome (KDS). Identifiers: MedGen C1840365, MONDO:0020485, OMIM 619542.
Congenital multicore myopathy with external ophthalmoplegia (CMYO1B). Also called: MULTICORE MYOPATHY; MULTIMINICORE DISEASE WITH EXTERNAL OPHTHALMOPLEGIA; Congenital myopathy 1B, autosomal recessive; Minicore myopathy; Minicore myopathy with external ophthalmoplegia. Identifiers: Orphanet 598, Orphanet 98905, MedGen C1850674, MONDO:0009712, OMIM 255320, HP:0003789.
RYR1-related myopathy. Identifiers: Orphanet 98742, MedGen CN305348, MONDO:0100150.
Inborn genetic diseases. Identifiers: MedGen C0950123, MeSH D030342.
Myopathy, RYR1-associated.
RYR1-related disorder. Also called: RYR1-related condition; RYR1-related disorders. Identifiers: MedGen CN239331.
Centronuclear myopathy (CNM). Also called: Myotubular myopathy; Centronuclear myopathy, congenital. Identifiers: Orphanet 595, MedGen C0175709, MONDO:0018947. Inheritance: All.

Allele frequency attached by ClinVar (database versions not stated): ExAC 0.00002; gnomAD exomes 0.00002; ESP Exome Variant Server 0.00008; gnomAD 0.00009 and 0.00010; TOPMed 0.00011.
gnomAD v4.1: 43 of 1,614,248 alleles (0.0027%); highest among the groups gnomAD compares: African/African-American, 0.045%; no homozygotes.

Submissions 1 to 6 of 20:

ClinGen Congenital Myopathies Variant Curation Expert Panel, ClinGen
Classification: Pathogenic for RYR1-related myopathy. Last evaluated: 2025-05-19. Review status: reviewed by expert panel. Criteria: ClinGen CongenMyopathy ACMG Specifications RYR1 AR V2.0.0. Collection method: curation. Allele origin: germline. Inheritance: Autosomal recessive inheritance.
Comment: The variant NM_000540.3(RYR1):c.10348-6C>G in RYR1 is an intronic variant located in intron 68. The filtering allele frequency is 0.0003329 (34/75078 alleles, 0 homozygotes) for the African/African American population, which meets no codes. In addition, the SpliceAI Acceptor Loss value is 0.47. The variant was found in compound heterozygosity with variants of uncertain significance, likely pathogenic, or pathogenic variants in 22 patients (PM3_Very Strong; PMIDs: 18253926, 21062345, 20839240, 23553484, 28818389, 30932294, 31069529, 30611313, 34440373, 35627144, 35616356, 36939041). At least 3 patients with this variant displayed ophthalmoparesis and presence of cores on muscle biopsy, which is highly specific for RYR1-related myopathy (PP4; PMID: 20839240). This variant has been observed in at least 11 South African patients with RYR1-related myopathy, suggesting a possible founder variant (PMID: 20839240). The variant has also been reported in cis with the c.14524G>A (p.Val4842Met) variant in 17 of the 22 probands, which is part of a known haplotype and has been reported as a compound heterozygous change in individuals with RYR1-related myopathies (PMIDs: 18253926, 21062345, 20839240, 23553484, 30932294, 30611313, 35627144). The variant has been found to segregate with disease in 4 affected relatives from 2 families (PP1; PMIDs: 18253926, 21062345). Functional studies in patient cells showed that the variant resulted in a loss of splicing of intron 68 and the introduction of a premature stop codon causing the mRNA to undergo NMD (PMIDs: 18253926, 25525159) (PS3_Supporting). In summary, this variant meets the criteria to be classified as pathogenic for autosomal recessive RYR1-related myopathy based on the ACMG/AMP criteria applied, as specified by the ClinGen Congenital Myopathies VCEP: PM3_Very Strong, PP4, PP1, PS3_Supporting (ClinGen Congenital Myopathies VCEP specifications version 2; May 19th, 2025).

GeneDx
Classification: Pathogenic. Last evaluated: 2026-08-15. Review status: criteria provided, single submitter. Criteria: GeneDx Variant Classification Process June 2021. Collection method: clinical testing. Allele origin: germline. Not counted in ClinVar's aggregate classification.
Comment: Reported in multiple unrelated individuals in the published literature and patients referred to GeneDx for genetic testing with congenital myopathy who also harbored at least one additional RYR1 variant, although phase is not always known (PMID: 20839240, 18253926, 23553484, 23394784, 28818389, 22473935); Published RNA analysis shows aberrant splicing that results in the inclusion of exon 68 and introduction of a premature stop codon in the majority of transcripts (PMID: 18253926); This variant is associated with the following publications: (PMID: 25525159, 30932294, 21062345, 16380615, 18765655, 30611313, 23919265, 16917943, 23553484, 20583297, 22473935, 23394784, 28818389, Bhanudeep2021[Article], 35627144, 35616356, 31069529, 34440373, 20839240, 18253926, 38702429, 34428338, 36939041, 35537032, 39096151, 39411402, 39020067, 39966651)

Labcorp Genetics (formerly Invitae), Labcorp
Classification: Pathogenic for RYR1-related disorder. Last evaluated: 2025-11-13. Review status: criteria provided, single submitter. Criteria: Invitae Variant Classification Sherloc (09022015). Collection method: clinical testing. Allele origin: germline. Not counted in ClinVar's aggregate classification.
Comment: This sequence change falls in intron 68 of the RYR1 gene. It does not directly change the encoded amino acid sequence of the RYR1 protein. RNA analysis indicates that this variant induces altered splicing and may result in an absent or altered protein product. This variant is present in population databases (rs193922837, gnomAD 0.03%). This variant has been observed in individual(s) with congenital myopathy (PMID: 18253926, 20839240, 21062345). In at least one individual the data is consistent with being in trans (on the opposite chromosome) from a pathogenic variant. ClinVar contains an entry for this variant (Variation ID: 132994). Studies have shown that this variant results in retention of intron 68, and produces a non-functional protein and/or introduces a premature termination codon (PMID: 18253926). For these reasons, this variant has been classified as Pathogenic.

Rady Children's Institute for Genomic Medicine, Rady Children's Hospital San Diego
Classification: Pathogenic for RYR1-related disorders. Last evaluated: 2025-02-25. Review status: criteria provided, single submitter. Criteria: ACMG Guidelines, 2015. Collection method: clinical testing. Allele origin: germline. Affected: yes. Not counted in ClinVar's aggregate classification.
Comment: Multiple splice prediction tools suggest this variant is likely to interfere with normal splicing. This variant has been previously reported as a compound heterozygous change in patients with RYR1-related myopathies (PMID: 18253926, 20839240, 21062345, 23553484, 28818389, 35627144). Additionally, this variant in cis with c.14524G>A (p.Val4842Met), is part of a known haplotype and has been described as a compound heterozygous change in individuals with RYR1-related myopathies (PMID: 18253926, 20839240). Functional studies have demonstrated that the c.10348-6C>G variant results in aberrant splicing that introduces a premature termination codon causing the mRNA to undergo nonsense-mediated decay (PMID: 18253926, 25525159). The c.10348-6C>G variant is present in the latest version of the gnomAD population database at an allele frequency of 0.002% (43/1614248), and is absent in the homozygous state, thus is presumed to be rare. Based on the available evidence, c.14524G>A (p.Val4842Met) is classified as Pathogenic.

3billion
Classification: Pathogenic for Congenital multicore myopathy with external ophthalmoplegia. Last evaluated: 2024-06-11. Review status: criteria provided, single submitter. Criteria: ACMG Guidelines, 2015. Collection method: clinical testing. Allele origin: germline. Affected: yes. Not counted in ClinVar's aggregate classification.
Comment: The variant is observed at an extremely low frequency in the gnomAD v4.0.0 dataset (total allele frequency: 0.003%). Predicted Consequence/Location: Intron variant In silico tools predict the variant to alter splicing and produce an abnormal transcript [SpliceAI: 0.47 (>=0.2, moderate evidence for spliceogenicity)]. The variant has been reported to be in trans with a pathogenic variant as either compound heterozygous or homozygous in at least one similarly affected unrelated individual (PMID: 18253926). The variant has been reported to co-segregate with the disease in at least one similarly affected relative/individual in the same family or similarly affected unrelated family (PMID: 18253926). The variant has been reported at least twice as pathogenic with clinical assertions and evidence for the classification (ClinVar ID: VCV000132994 /PMID: 18253926). Therefore, this variant is classified as Pathogenic according to the recommendation of ACMG/AMP guideline.

Women's Health and Genetics/Laboratory Corporation of America, LabCorp
Classification: Pathogenic. Last evaluated: 2024-05-21. Review status: criteria provided, single submitter. Criteria: LabCorp Variant Classification Summary - May 2015. Collection method: clinical testing. Allele origin: germline. Not counted in ClinVar's aggregate classification.
Comment: Variant summary: RYR1 c.10348-6C>G alters a non-conserved nucleotide located close to a canonical splice site and therefore could affect mRNA splicing, leading to a significantly altered protein sequence. Computational tools predict a significant impact on normal splicing: Two predict the variant weakens a canonical 3' acceptor site. One predicts the variant abolishes this site. At least one publication reports experimental evidence that this variant affects mRNA splicing (Monnier_2008). The variant allele was found at a frequency of 2e-05 in 251458 control chromosomes (gnomAD). c.10348-6C>G has been reported in the literature in individuals affected with Myopathy, RYR1-Associated (e.g. Monnier_2008, Bevilacqua_2011, Abath Neto_2017). These data indicate that the variant is likely to be associated with disease. The following publications have been ascertained in the context of this evaluation (PMID: 28818389, 18253926, 21062345). ClinVar contains an entry for this variant (Variation ID: 132994). Based on the evidence outlined above, the variant was classified as pathogenic.